The following is an entry in ClinVar:

NM_005732.4(RAD50):c.203A>G (p.His68Arg)

Gene: RAD50 (RAD50 double strand break repair protein; plus strand). Cytogenetic location: 5q31.1.
Variant type: single nucleotide variant.
Coding change: c.203A>G on transcript NM_005732.4 (MANE Select); coding-DNA position 203, A replaced by G.
Protein change: p.His68Arg; replaces histidine 68 with arginine.
Molecular consequence: missense variant.
Genome position (GRCh38, 1-based): chr5:132,559,357, A>G. VCF-style: chr5-132559357-A-G. GRCh37 (hg19) VCF-style: chr5-131895049-A-G.
Other names: short protein forms H68R.
Identifiers: ClinVar variation 820573 (VCV000820573.5), dbSNP rs1580976267, ClinGen allele CA360953769.

ClinVar aggregate classification (germline): Uncertain significance (1 of 4 stars; one submission).

Conditions:
Hereditary cancer-predisposing syndrome. Also called: Neoplastic Syndromes, Hereditary; Tumor predisposition; Hereditary Cancer Syndrome; Hereditary neoplastic syndrome. Identifiers: Orphanet 140162, MedGen C0027672, MeSH D009386, MONDO:0015356.

Allele frequency attached by ClinVar (database versions not stated): gnomAD exomes below 0.00001; gnomAD 0.00001.

Submission:

Ambry Genetics
Classification: Uncertain significance for Hereditary cancer-predisposing syndrome. Last evaluated: 2025-06-27. Review status: criteria provided, single submitter. Criteria: Ambry Variant Classification Scheme 2023. Collection method: clinical testing. Allele origin: germline.
Comment: The p.H68R variant (also known as c.203A>G), located in coding exon 2 of the RAD50 gene, results from an A to G substitution at nucleotide position 203. The histidine at codon 68 is replaced by arginine, an amino acid with highly similar properties. This alteration has been detected in 1/1824 patients with triple negative breast cancer who were unselected for a family history of breast or ovarian cancer (Couch FJ et al. J. Clin. Oncol., 2015 Feb;33:304-11). This alteration was also reported in a cohort of 1040 patients with advanced cancer; however, specific clinical information was not provided (Mandelker D et al. JAMA, 2017 09;318:825-835). This amino acid position is highly conserved in available vertebrate species. In addition, the in silico prediction for this alteration is inconclusive. Since supporting evidence is limited at this time, the clinical significance of this alteration remains unclear.

Literature cited by the submitters: PubMed 25452441; PubMed 28873162.